The following is an entry in ClinVar:

NM_004815.4(ARHGAP29):c.3282T>C (p.Thr1094=)

Gene: ARHGAP29 (Rho GTPase activating protein 29; minus strand). Cytogenetic location: 1p22.1.
Variant type: single nucleotide variant.
Coding change: c.3282T>C on transcript NM_004815.4 (MANE Select); coding-DNA position 3282, T replaced by C.
Protein change: p.Thr1094=; no amino-acid change (threonine 1094 retained).
Molecular consequence: synonymous variant.
Genome position (GRCh38, 1-based): chr1:94,174,373, A>G on the plus strand (T>C on the coding strand, the complement: ARHGAP29 is on the minus strand). VCF-style: chr1-94174373-A-G. GRCh37 (hg19) VCF-style: chr1-94639929-A-G.
Other names: c.3282T>C, p.Thr1094= (NM_001328664.2); c.3090T>C, p.Thr1030= (NM_001328665.2, NM_001328667.2); c.3255T>C, p.Thr1085= (NM_001328666.2).
Identifiers: ClinVar variation 791803 (VCV000791803.7), dbSNP rs79827181, ClinGen allele CA959096.

ClinVar aggregate classification (germline): Benign/Likely benign. Review status: criteria provided, multiple submitters, no conflicts (2 of 4 stars). 3 submissions from 3 submitters: Benign (1); Likely benign (1). 1 of the submissions does not count toward it. Last evaluated 2024-11-13.

Conditions:
ARHGAP29-related disorder. Also called: ARHGAP29-Related Disorders; ARHGAP29-related condition.

Allele frequency attached by ClinVar (database versions not stated): TOPMed 0.00174; 1000 Genomes Project 30x 0.00234; 1000 Genomes Project 0.00280; gnomAD exomes 0.00021 and 0.00041; ExAC 0.00049; ESP Exome Variant Server 0.00100; gnomAD 0.00159 and 0.00172.
gnomAD v4.1: 584 of 1,614,132 alleles (0.036%); highest among the groups gnomAD compares: African/African-American, 0.65%; 5 homozygotes.

Submissions (3):

Blueprint Genetics
Classification: Likely benign. Last evaluated: 2024-11-13. Review status: criteria provided, single submitter. Criteria: ACMG Guidelines, 2015. Collection method: clinical testing. Allele origin: germline.

Labcorp Genetics (formerly Invitae), Labcorp
Classification: Benign. Last evaluated: 2019-12-31. Review status: criteria provided, single submitter. Criteria: Invitae Variant Classification Sherloc (09022015). Collection method: clinical testing. Allele origin: germline.

PreventionGenetics, part of Exact Sciences
Classification: Benign for ARHGAP29-related condition. Last evaluated: 2019-11-26. Review status: no assertion criteria provided. Collection method: clinical testing. Allele origin: germline. Not counted in ClinVar's aggregate classification.
Comment: This variant is classified as benign based on ACMG/AMP sequence variant interpretation guidelines (Richards et al. 2015 PMID: 25741868, with internal and published modifications).